The following is an entry in ClinVar:

NM_019842.4(KCNQ5):c.2089T>G (p.Phe697Val)

Gene: KCNQ5 (potassium voltage-gated channel subfamily Q member 5; plus strand). Cytogenetic location: 6q13.
Variant type: single nucleotide variant.
Coding change: c.2089T>G on transcript NM_019842.4 (MANE Select); coding-DNA position 2089, T replaced by G.
Protein change: p.Phe697Val; replaces phenylalanine 697 with valine.
Molecular consequence: missense variant.
Genome position (GRCh38, 1-based): chr6:73,194,704, T>G. VCF-style: chr6-73194704-T-G. GRCh37 (hg19) VCF-style: chr6-73904427-T-G.
Other names: c.2062T>G, p.Phe688Val (NM_001160130.2); c.2119T>G, p.Phe707Val (NM_001160132.2); c.2146T>G, p.Phe716Val (NM_001160133.2); c.1759T>G, p.Phe587Val (NM_001160134.2); c.2146T>G (NM_001160133.1); short protein forms F707V, F716V, F697V, F587V, F688V.
Identifiers: ClinVar variation 2959300 (VCV002959300.4), dbSNP rs1238370049, ClinGen allele CA364695219.

ClinVar aggregate classification (germline): Uncertain significance. Review status: criteria provided, multiple submitters, no conflicts (2 of 4 stars). 2 submissions from 2 submitters: Uncertain significance (2). Last evaluated 2026-07-28.

Conditions:
Inborn genetic diseases. Identifiers: MedGen C0950123, MeSH D030342.

Allele frequency attached by ClinVar (database versions not stated): TOPMed below 0.00001.
gnomAD v4.1: 3 of 1,614,102 alleles (0.00019%); highest among the groups gnomAD compares: Non-Finnish European, 0.00025%; no homozygotes.

Submissions (2):

Ambry Genetics
Classification: Uncertain significance for Inborn genetic diseases. Last evaluated: 2026-07-28. Review status: criteria provided, single submitter. Criteria: Ambry Variant Classification Scheme 2023. Collection method: clinical testing. Allele origin: germline.
Comment: The c.2146T>G (p.F716V) alteration is located in exon 15 (coding exon 15) of the KCNQ5 gene. This alteration results from a T to G substitution at nucleotide position 2146, causing the phenylalanine (F) at amino acid position 716 to be replaced by a valine (V). Based on data from gnomAD, the G allele has an overall frequency of 0.001% (2/251400) total alleles studied. The highest observed frequency was 0.002% (2/113688) of European (non-Finnish) alleles. Based on insufficient or conflicting evidence, the clinical significance of this alteration remains unclear.

Labcorp Genetics (formerly Invitae), Labcorp
Classification: Uncertain significance. Last evaluated: 2023-08-14. Review status: criteria provided, single submitter. Criteria: Invitae Variant Classification Sherloc (09022015). Collection method: clinical testing. Allele origin: germline.
Comment: This variant has not been reported in the literature in individuals affected with KCNQ5-related conditions. Advanced modeling of protein sequence and biophysical properties (such as structural, functional, and spatial information, amino acid conservation, physicochemical variation, residue mobility, and thermodynamic stability) performed at Invitae indicates that this missense variant is not expected to disrupt KCNQ5 protein function. Algorithms developed to predict the effect of sequence changes on RNA splicing suggest that this variant may create or strengthen a splice site. In summary, the available evidence is currently insufficient to determine the role of this variant in disease. Therefore, it has been classified as a Variant of Uncertain Significance. This sequence change replaces phenylalanine, which is neutral and non-polar, with valine, which is neutral and non-polar, at codon 716 of the KCNQ5 protein (p.Phe716Val). This variant is present in population databases (no rsID available, gnomAD 0.0009%).